The following is an entry in ClinVar:

ClinVar aggregate classification (germline): Uncertain significance (1 of 4 stars; one submission).

Submission:

GeneDx
Classification: Uncertain significance. Last evaluated: 2017-05-25. Review status: criteria provided, single submitter. Criteria: GeneDx Variant Classification (06012015). Collection method: clinical testing. Allele origin: germline. Affected: yes.
Comment: The L138R variant in the NIPAL4 gene has not been reported previously as a pathogenic variant, nor as a benign variant, to our knowledge. This variant is not observed in large population cohorts (Lek et al., 2016; 1000 Genomes Consortium et al., 2015; Exome Variant Server). The L138R variant is also a non-conservative amino acid substitution, which is likely to impact secondary protein structure as these residues differ in polarity, charge, size and/or other properties. Additionally, this substitution occurs at a position that is conserved across species, and in silico analysis predicts this variant is probably damaging to the protein structure/function. As there is not enough information currently available to determine if this variant is pathogenic or benign, we interpret L138R as a variant of uncertain significance.

NM_001099287.2(NIPAL4):c.227T>G (p.Leu76Arg)

Gene: NIPAL4 (NIPA like domain containing 4; plus strand). Cytogenetic location: 5q33.3.
Variant type: single nucleotide variant.
Coding change: c.227T>G on transcript NM_001099287.2 (MANE Select); coding-DNA position 227, T replaced by G.
Protein change: p.Leu76Arg; replaces leucine 76 with arginine.
Molecular consequence: missense variant.
Genome position (GRCh38, 1-based): chr5:157,463,283, T>G. VCF-style: chr5-157463283-T-G. GRCh37 (hg19) VCF-style: chr5-156890291-T-G.
Other names: c.227T>G, p.Leu76Arg (NM_001172292.2); short protein forms L138R, L76R.
Identifiers: ClinVar variation 430353 (VCV000430353.2), dbSNP rs1131691918, ClinGen allele CA361980289.